The following is an entry in ClinVar:

ClinVar aggregate classification (germline): Benign (1 of 4 stars; one submission).

Allele frequency attached by ClinVar (database versions not stated): 1000 Genomes Project 0.00759; 1000 Genomes Project 30x 0.00796; ExAC 0.01070; ESP Exome Variant Server 0.01086; TOPMed 0.01150; gnomAD exomes 0.01397.
gnomAD v4.1: 22,176 of 1,613,374 alleles (1.4%); highest among the groups gnomAD compares: Non-Finnish European, 1.5%; 215 homozygotes.

Submission:

CeGaT Center for Human Genetics Tuebingen
Classification: Benign. Last evaluated: 2023-12-01. Review status: criteria provided, single submitter. Criteria: CeGaT Center For Human Genetics Tuebingen Variant Classification Criteria Version 2. Collection method: clinical testing. Allele origin: germline. Affected: yes. Observed: 1 variant allele.
Comment: MAPK15: BP4, BS1, BS2

NM_139021.3(MAPK15):c.1154G>A (p.Gly385Asp)

Gene: MAPK15 (mitogen-activated protein kinase 15; plus strand). Cytogenetic location: 8q24.3.
Variant type: single nucleotide variant.
Coding change: c.1154G>A on transcript NM_139021.3 (MANE Select); coding-DNA position 1154, G replaced by A.
Protein change: p.Gly385Asp; replaces glycine 385 with aspartic acid.
Molecular consequence: missense variant.
Genome position (GRCh38, 1-based): chr8:143,721,361, G>A. VCF-style: chr8-143721361-G-A. GRCh37 (hg19) VCF-style: chr8-144803531-G-A.
Other names: short protein forms G385D.
Identifiers: ClinVar variation 3024737 (VCV003024737.22), dbSNP rs34115313, ClinGen allele CA4916655.
Genomic context (GRCh38, chr8:143,721,361, plus strand): 5'-AGGCACACCTGCACAAACCCAGAGCCGACCCTCAGCTGCCTTCTAGGACACCTGTGCAGG[G>A]TCCCAGACCCAGGCCCCAGAGCAGCCCAGGCCATGACCCTGCCGAGCACGGTGTGTGATC-3'
Protein context (NP_620590.2, residues 375-395): PQLPSRTPVQ[Gly385Asp]PRPRPQSSPG